The following is an entry in ClinVar:

ClinVar aggregate classification (germline): Benign/Likely benign. Review status: criteria provided, multiple submitters, no conflicts (2 of 4 stars). 7 submissions from 7 submitters: Benign (1); Likely benign (5). 1 of the submissions does not count toward it. Last evaluated 2026-04-16.

Conditions:
Hereditary cancer-predisposing syndrome. Also called: Hereditary neoplastic syndrome; Neoplastic Syndromes, Hereditary; Hereditary Cancer Syndrome; Tumor predisposition. Identifiers: Orphanet 140162, MedGen C0027672, MeSH D009386, MONDO:0015356.
DICER1-related disorder. Also called: DICER1-related condition.
DICER1-related tumor predisposition. Also called: DICER1-related pleuropulmonary blastoma cancer predisposition syndrome; DICER1 syndrome. Identifiers: Orphanet 284343, MedGen C3839822, MONDO:0100216.

Allele frequency attached by ClinVar (database versions not stated): TOPMed 0.00020; gnomAD exomes 0.00002; gnomAD 0.00017 and 0.00018; 1000 Genomes Project 0.00020; ESP Exome Variant Server 0.00015; ExAC 0.00001; 1000 Genomes Project 30x 0.00016.
gnomAD v4.1: 59 of 1,614,152 alleles (0.0037%); highest among the groups gnomAD compares: African/African-American, 0.067%; no homozygotes.

Submissions (7):

Myriad Genetics, Inc.
Classification: Benign for DICER1-related tumor predisposition. Last evaluated: 2026-04-16. Review status: criteria provided, single submitter. Criteria: Myriad Autosomal Dominant, Autosomal Recessive and X-Linked Classification Criteria (2023). Collection method: clinical testing. Allele origin: unknown.
Comment: This variant is considered benign. This variant is a silent/synonymous amino acid change and it is not expected to impact splicing.

Labcorp Genetics (formerly Invitae), Labcorp
Classification: Likely benign for DICER1-related tumor predisposition. Last evaluated: 2026-01-18. Review status: criteria provided, single submitter. Criteria: Invitae Variant Classification Sherloc (09022015). Collection method: clinical testing. Allele origin: germline.

Quest Diagnostics Nichols Institute San Juan Capistrano
Classification: Likely benign. Last evaluated: 2022-09-28. Review status: criteria provided, single submitter. Criteria: Quest Diagnostics criteria. Collection method: clinical testing. Allele origin: unknown.

Sema4
Classification: Likely benign for Hereditary cancer-predisposing syndrome. Last evaluated: 2020-11-03. Review status: criteria provided, single submitter. Criteria: Sema4 Curation Guidelines. Collection method: curation. Allele origin: germline.

Ambry Genetics
Classification: Likely benign for Hereditary cancer-predisposing syndrome. Last evaluated: 2017-07-21. Review status: criteria provided, single submitter. Criteria: Ambry Variant Classification Scheme 2023. Collection method: clinical testing. Allele origin: germline.

Breakthrough Genomics
Classification: Likely benign. Review status: criteria provided, single submitter. Criteria: ACMG Guidelines, 2015. Collection method: not provided. Allele origin: germline. Inheritance: Autosomal dominant inheritance. Affected: yes.

PreventionGenetics, part of Exact Sciences
Classification: Likely benign for DICER1-related condition. Last evaluated: 2023-09-13. Review status: no assertion criteria provided. Collection method: clinical testing. Allele origin: germline. Not counted in ClinVar's aggregate classification.
Comment: This variant is classified as likely benign based on ACMG/AMP sequence variant interpretation guidelines (Richards et al. 2015 PMID: 25741868, with internal and published modifications).

NM_177438.3(DICER1):c.1839A>G (p.Pro613=)

Gene: DICER1 (dicer 1, ribonuclease III; minus strand). Cytogenetic location: 14q32.13.
Variant type: single nucleotide variant.
Coding change: c.1839A>G on transcript NM_177438.3 (MANE Select); coding-DNA position 1839, A replaced by G.
Protein change: p.Pro613=; no amino-acid change (proline 613 retained).
Molecular consequence: synonymous variant.
Genome position (GRCh38, 1-based): chr14:95,115,735, T>C on the plus strand (A>G on the coding strand, the complement: DICER1 is on the minus strand). VCF-style: chr14-95115735-T-C. GRCh37 (hg19) VCF-style: chr14-95582072-T-C.
Other names: c.1839A>G, p.Pro613= (NM_001195573.1, NM_001271282.3, NM_001291628.2 and 1 more transcripts).
Identifiers: ClinVar variation 477068 (VCV000477068.23), dbSNP rs147754242, ClinGen allele CA7331387.
Genomic context (GRCh38, chr14:95,115,735, plus strand): 5'-GTGTCCAATGGCCGTGTTGATTGTGACTCGTGGACCACCATCGTCAGGCCTCAACACATA[T>C]GGTGGGAAAACGTCATCATCATCCATGACAGGATCAATGTCAGTCTCACCAGTATCAACC-3'
Protein context (NP_803187.1, residues 603-623): PVMDDDDVFP[Pro613=]YVLRPDDGGP